The following is an entry in ClinVar:

ClinVar aggregate classification (germline): Uncertain significance (1 of 4 stars; one submission).

Conditions:
Cardiovascular phenotype. Identifiers: MedGen CN230736.

Submission:

Ambry Genetics
Classification: Uncertain significance for Cardiovascular phenotype. Last evaluated: 2025-03-04. Review status: criteria provided, single submitter. Criteria: Ambry Variant Classification Scheme 2023. Collection method: clinical testing. Allele origin: germline.
Comment: The p.A10D variant (also known as c.29C>A), located in coding exon 1 of the FLNC gene, results from a C to A substitution at nucleotide position 29. The alanine at codon 10 is replaced by aspartic acid, an amino acid with dissimilar properties. This amino acid position is conserved. In addition, this alteration is predicted to be tolerated by in silico analysis. Based on the available evidence, the clinical significance of this variant remains unclear.

NM_001458.5(FLNC):c.29C>A (p.Ala10Asp)

Gene: FLNC (filamin C; plus strand). Cytogenetic location: 7q32.1.
Variant type: single nucleotide variant.
Coding change: c.29C>A on transcript NM_001458.5 (MANE Select); coding-DNA position 29, C replaced by A.
Protein change: p.Ala10Asp; replaces alanine 10 with aspartic acid.
Molecular consequence: missense variant.
Genome position (GRCh38, 1-based): chr7:128,830,666, C>A. VCF-style: chr7-128830666-C-A. GRCh37 (hg19) VCF-style: chr7-128470720-C-A.
Other names: c.29C>A, p.Ala10Asp (NM_001127487.2); short protein forms A10D.
Identifiers: ClinVar variation 3850798 (VCV003850798.1).
Genomic context (GRCh38, chr7:128,830,666, plus strand): 5'-TAGCCCCGGCCGCACCCCCAGCCCGCGCCAGCATGATGAACAACAGCGGCTACTCAGACG[C>A]CGGCCTCGGCCTGGGCGATGAGACAGACGAGATGCCGTCCACGGAGAAGGACCTGGCGGA-3'
Protein context (NP_001449.3, residues 1-20): MMNNSGYSD[Ala10Asp]GLGLGDETDE